The following is an entry in ClinVar:

NM_004268.5(MED17):c.1361G>A (p.Arg454Gln)

Gene: MED17 (mediator complex subunit 17; plus strand). Cytogenetic location: 11q21.
Variant type: single nucleotide variant.
Coding change: c.1361G>A on transcript NM_004268.5 (MANE Select); coding-DNA position 1361, G replaced by A.
Protein change: p.Arg454Gln; replaces arginine 454 with glutamine.
Molecular consequence: missense variant.
Genome position (GRCh38, 1-based): chr11:93,801,867, G>A. VCF-style: chr11-93801867-G-A. GRCh37 (hg19) VCF-style: chr11-93535033-G-A.
Other names: c.1361G>A (NM_004268.4); short protein forms R454Q.
Identifiers: ClinVar variation 2201085 (VCV002201085.4), dbSNP rs199767485, ClinGen allele CA6232608.

ClinVar aggregate classification (germline): Uncertain significance. Review status: criteria provided, multiple submitters, no conflicts (2 of 4 stars). 3 submissions from 3 submitters: Uncertain significance (3). Last evaluated 2025-08-15.

Conditions:
Inborn genetic diseases. Identifiers: MedGen C0950123, MeSH D030342.

Allele frequency attached by ClinVar (database versions not stated): ExAC 0.00001; gnomAD 0.00003; 1000 Genomes Project 30x 0.00016; 1000 Genomes Project 0.00020.
gnomAD v4.1: 38 of 1,613,498 alleles (0.0024%); highest among the groups gnomAD compares: Admixed American, 0.013%; no homozygotes.

Submissions (3):

Ambry Genetics
Classification: Uncertain significance for Inborn genetic diseases. Last evaluated: 2025-08-15. Review status: criteria provided, single submitter. Criteria: Ambry Variant Classification Scheme 2023. Collection method: clinical testing. Allele origin: germline.

Labcorp Genetics (formerly Invitae), Labcorp
Classification: Uncertain significance. Last evaluated: 2022-04-06. Review status: criteria provided, single submitter. Criteria: Invitae Variant Classification Sherloc (09022015). Collection method: clinical testing. Allele origin: germline.
Comment: This sequence change replaces arginine, which is basic and polar, with glutamine, which is neutral and polar, at codon 454 of the MED17 protein (p.Arg454Gln). This variant is present in population databases (rs199767485, gnomAD 0.02%). This variant has not been reported in the literature in individuals affected with MED17-related conditions. Algorithms developed to predict the effect of missense changes on protein structure and function (SIFT, PolyPhen-2, Align-GVGD) all suggest that this variant is likely to be tolerated. Algorithms developed to predict the effect of sequence changes on RNA splicing suggest that this variant may disrupt the consensus splice site. In summary, the available evidence is currently insufficient to determine the role of this variant in disease. Therefore, it has been classified as a Variant of Uncertain Significance.

Blueprint Genetics
Classification: Uncertain significance. Last evaluated: 2021-04-22. Review status: criteria provided, single submitter. Criteria: ACMG Guidelines, 2015. Collection method: clinical testing. Allele origin: germline.